The following is an entry in ClinVar:

ClinVar aggregate classification (germline): Pathogenic (1 of 4 stars; one submission).

Conditions:
Primary ciliary dyskinesia 3. Identifiers: Orphanet 244, MedGen C1837618, MONDO:0012085, OMIM 608644.

Submission:

Myriad Genetics, Inc.
Classification: Pathogenic for Primary ciliary dyskinesia 3. Last evaluated: 2024-05-14. Review status: criteria provided, single submitter. Criteria: Myriad Autosomal Dominant, Autosomal Recessive and X-Linked Classification Criteria (2023). Collection method: clinical testing. Allele origin: unknown.
Comment: NM_001369.2(DNAH5):c.4668_4670del3ins11(N1557Kfs*20) is expected to be pathogenic in the context of primary ciliary dyskinesia, DNAH5-related. This variant is predicted to lead to an abnormal or absent protein product due to the creation of a premature termination codon in DNAH5, a gene where loss-of-function variants are known to be pathogenic. Please note: this variant was assessed in the context of healthy population screening.

NM_001369.3(DNAH5):c.4668_4670delinsTAAGAGACAGT (p.Asn1557fs)

Genes: DNAH5 (dynein axonemal heavy chain 5; minus strand), DNAH5-AS1 (DNAH5 antisense RNA 1; plus strand). Cytogenetic location: 5p15.2.
Variant type: Indel.
Coding change: c.4668_4670delinsTAAGAGACAGT on transcript NM_001369.3 (MANE Select); coding-DNA positions 4668 to 4670, CAA replaced by TAAGAGACAGT.
Protein change: p.Asn1557fs; shifts the reading frame from asparagine 1557.
Molecular consequence: frameshift variant.
Genome position (GRCh38, 1-based): chr5:13,862,674-13,862,676, TTG replaced by ACTGTCTCTTA on the plus strand (CAA replaced by TAAGAGACAGT on the coding strand, the reverse complement: DNAH5 is on the minus strand). VCF-style: chr5-13862674-TTG-ACTGTCTCTTA. GRCh37 (hg19) VCF-style: chr5-13862783-TTG-ACTGTCTCTTA.
Other names: short protein forms N1557fs.
Identifiers: ClinVar variation 5011055 (VCV005011055.1).